The following is an entry in ClinVar:

NM_006514.4(SCN10A):c.3082G>A (p.Gly1028Arg)

Genes: SCN10A (sodium voltage-gated channel alpha subunit 10; minus strand), LOC110121288 (VISTA enhancer hs2268; plus strand). Cytogenetic location: 3p22.2.
Variant type: single nucleotide variant.
Coding change: c.3082G>A on transcript NM_006514.4 (MANE Select); coding-DNA position 3082, G replaced by A.
Protein change: p.Gly1028Arg; replaces glycine 1028 with arginine.
Molecular consequence: missense variant.
Genome position (GRCh38, 1-based): chr3:38,726,611, C>T on the plus strand (G>A on the coding strand, the complement: SCN10A is on the minus strand). VCF-style: chr3-38726611-C-T. GRCh37 (hg19) VCF-style: chr3-38768102-C-T.
Other names: c.3082G>A, p.Gly1028Arg (NM_001293306.2); c.2788G>A, p.Gly930Arg (NM_001293307.2); short protein forms G1028R, G930R.
Identifiers: ClinVar variation 3225643 (VCV003225643.1), dbSNP rs2470670229, ClinGen allele CA352157162.

ClinVar aggregate classification (germline): Uncertain significance (1 of 4 stars; one submission).

Conditions:
Cardiovascular phenotype. Identifiers: MedGen CN230736.

Submission:

Ambry Genetics
Classification: Uncertain significance for Cardiovascular phenotype. Last evaluated: 2023-10-19. Review status: criteria provided, single submitter. Criteria: Ambry Variant Classification Scheme 2023. Collection method: clinical testing. Allele origin: germline.
Comment: The p.G1028R variant (also known as c.3082G>A), located in coding exon 16 of the SCN10A gene, results from a G to A substitution at nucleotide position 3082. The glycine at codon 1028 is replaced by arginine, an amino acid with dissimilar properties. This amino acid position is conserved. In addition, this alteration is predicted to be tolerated by in silico analysis. Since supporting evidence is limited at this time, the clinical significance of this alteration remains unclear.